The following is an entry in ClinVar:

ClinVar aggregate classification (germline): Uncertain significance (1 of 4 stars; one submission).

Conditions:
Dilated cardiomyopathy 1KK (CMD1KK). Identifiers: Orphanet 154, Orphanet 75249, MedGen C3714995, MONDO:0014100, OMIM 615248.

Submission:

Labcorp Genetics (formerly Invitae), Labcorp
Classification: Uncertain significance for Dilated cardiomyopathy 1KK. Last evaluated: 2018-11-27. Review status: criteria provided, single submitter. Criteria: Invitae Variant Classification Sherloc (09022015). Collection method: clinical testing. Allele origin: germline.
Comment: In summary, the available evidence is currently insufficient to determine the role of this variant in disease. Therefore, it has been classified as a Variant of Uncertain Significance. Algorithms developed to predict the effect of missense changes on protein structure and function are either unavailable or do not agree on the potential impact of this missense change (SIFT: "Deleterious"; PolyPhen-2: "Possibly Damaging"; Align-GVGD: "Class C15"). This variant has not been reported in the literature in individuals with MYPN-related conditions. This variant is not present in population databases (ExAC no frequency). This sequence change replaces asparagine with isoleucine at codon 189 of the MYPN protein (p.Asn189Ile). The asparagine residue is moderately conserved and there is a large physicochemical difference between asparagine and isoleucine.

NM_032578.4(MYPN):c.566A>T (p.Asn189Ile)

Gene: MYPN (myopalladin; plus strand). Cytogenetic location: 10q21.3.
Variant type: single nucleotide variant.
Coding change: c.566A>T on transcript NM_032578.4 (MANE Select); coding-DNA position 566, A replaced by T.
Protein change: p.Asn189Ile; replaces asparagine 189 with isoleucine.
Molecular consequence: missense variant. On other transcripts: 5 prime UTR variant (1), non-coding transcript variant (1).
Genome position (GRCh38, 1-based): chr10:68,122,004, A>T. VCF-style: chr10-68122004-A-T. GRCh37 (hg19) VCF-style: chr10-69881761-A-T.
Other names: c.566A>T, p.Asn189Ile (NM_001256267.2); c.-557A>T (NM_001256268.2); short protein forms N189I.
Identifiers: ClinVar variation 642842 (VCV000642842.8), dbSNP rs1589528864, ClinGen allele CA377104641.